The following is an entry in ClinVar:

NM_001349798.2(FBXW7):c.832C>T (p.Arg278Ter)

Genes: FBXW7 (F-box and WD repeat domain containing 7; minus strand), FBXW7-AS1 (FBXW7 antisense RNA 1; plus strand). Cytogenetic location: 4q31.3.
Variant type: single nucleotide variant.
Coding change: c.832C>T on transcript NM_001349798.2 (MANE Select); coding-DNA position 832, C replaced by T.
Protein change: p.Arg278Ter; replaces arginine 278 with a stop codon.
Molecular consequence: nonsense. On other transcripts: non-coding transcript variant (1).
Genome position (GRCh38, 1-based): chr4:152,337,831, G>A on the plus strand (C>T on the coding strand, the complement: FBXW7 is on the minus strand). VCF-style: chr4-152337831-G-A. GRCh37 (hg19) VCF-style: chr4-153258983-G-A.
Other names: c.478C>T, p.Arg160Ter (NM_001013415.2); c.592C>T, p.Arg198Ter (NM_018315.5); c.832C>T, p.Arg278Ter (NM_033632.3); short protein forms R160*, R198*, R278*.
Identifiers: ClinVar variation 1701892 (VCV001701892.3), dbSNP rs2126583593, ClinGen allele CA358615250.

ClinVar aggregate classification (germline): Likely pathogenic (1 of 4 stars; one submission).
ClinVar aggregate classification (somatic clinical impact): Tier II - Potential (1 of 4 stars; one submission).
ClinVar aggregate classification (oncogenicity): Oncogenic (1 of 4 stars; one submission).

Conditions:
Neurodevelopmental disorder. Identifiers: MedGen C1535926, MeSH D065886, MONDO:0700092.
Medulloblastoma WNT activated. Identifiers: MedGen C4331965, MONDO:0850196.
Neoplasm. Also called: tumor; Neoplasms; Neoplasm (disease). Identifiers: MedGen C0027651, MeSH D009369, MONDO:0005070, HP:0002664.

Allele frequency attached by ClinVar (database versions not stated): 1000 Genomes Project 30x 0.00016; gnomAD 0.00001.

Submissions (3):

Center for Genomic Medicine, Rigshospitalet, Copenhagen University Hospital
Classification: Oncogenic for Neoplasm. Last evaluated: 2026-10-16. Review status: criteria provided, single submitter. Criteria: ClinGen/CGC/VICC Guidelines for Oncogenicity, 2022. Collection method: clinical testing. Allele origin: somatic. Affected: yes.

Institute for Genomic Medicine (IGM) Clinical Laboratory, Nationwide Children's Hospital
Classification: Tier II - Potential for Medulloblastoma WNT activated. Assertion type: diagnostic. Clinical significance: supports diagnosis. Last evaluated: 2022-09-27. Review status: criteria provided, single submitter. Criteria: AMP/ASCO/CAP Guidelines, 2017. Collection method: clinical testing. Allele origin: somatic. Affected: yes.
Comment: Variant has Tier II (potential) clinical significance as a diagnostic inclusion criterion in medulloblastoma WNT activated, based on the following evidence: 1) Documented in one or more cancer databases (e.g., St. Jude Pecan, COSMIC, CIViC, OncoKB). 2) Information in the literature supports potential biologic effect of variant (PMIDs: 35346215, 26886596). 3) Diagnostic significance based on multiple small studies (Evidence Level C; PMIDs: 28726821, 33502920).

Laboratory of Molecular Genetics (Pr. Bezieau's lab), CHU de Nantes
Classification: Likely pathogenic for Neurodevelopmental disorder. Last evaluated: 2022-06-01. Review status: criteria provided, single submitter. Criteria: ACMG Guidelines, 2015. Collection method: clinical testing. Allele origin: germline. Affected: yes.

Literature cited by the submitters: PubMed 35346215 (cited by Institute for Genomic Medicine (IGM) Clinical Laboratory, Nationwide Children's Hospital); PubMed 26886596 (cited by Institute for Genomic Medicine (IGM) Clinical Laboratory, Nationwide Children's Hospital); PubMed 28726821 (cited by Institute for Genomic Medicine (IGM) Clinical Laboratory, Nationwide Children's Hospital); PubMed 33502920 (cited by Institute for Genomic Medicine (IGM) Clinical Laboratory, Nationwide Children's Hospital).